The following is an entry in ClinVar:

NM_015932.6(POMP):c.263A>G (p.Gln88Arg)

Gene: POMP (proteasome maturation protein; plus strand). Cytogenetic location: 13q12.3.
Variant type: single nucleotide variant.
Coding change: c.263A>G on transcript NM_015932.6 (MANE Select); coding-DNA position 263, A replaced by G.
Protein change: p.Gln88Arg; replaces glutamine 88 with arginine.
Molecular consequence: missense variant.
Genome position (GRCh38, 1-based): chr13:28,668,573, A>G. VCF-style: chr13-28668573-A-G. GRCh37 (hg19) VCF-style: chr13-29242710-A-G.
Other names: short protein forms Q88R.
Identifiers: ClinVar variation 1950945 (VCV001950945.5), dbSNP rs768676539, ClinGen allele CA6931061.

ClinVar aggregate classification (germline): Uncertain significance (1 of 4 stars; one submission).

Allele frequency attached by ClinVar (database versions not stated): ExAC 0.00001; gnomAD 0.00001.
gnomAD v4.1: 7 of 1,592,222 alleles (0.00044%); highest among the groups gnomAD compares: South Asian, 0.0044%; no homozygotes.

Submission:

Labcorp Genetics (formerly Invitae), Labcorp
Classification: Uncertain significance. Last evaluated: 2023-11-20. Review status: criteria provided, single submitter. Criteria: Invitae Variant Classification Sherloc (09022015). Collection method: clinical testing. Allele origin: germline.
Comment: This sequence change replaces glutamine, which is neutral and polar, with arginine, which is basic and polar, at codon 88 of the POMP protein (p.Gln88Arg). This variant is present in population databases (rs768676539, gnomAD 0.006%). This variant has not been reported in the literature in individuals affected with POMP-related conditions. ClinVar contains an entry for this variant (Variation ID: 1950945). An algorithm developed to predict the effect of missense changes on protein structure and function (PolyPhen-2) suggests that this variant is likely to be tolerated. In summary, the available evidence is currently insufficient to determine the role of this variant in disease. Therefore, it has been classified as a Variant of Uncertain Significance.